The following is an entry in ClinVar:

ClinVar aggregate classification (germline): Uncertain significance (1 of 4 stars; one submission).

Submission:

Labcorp Genetics (formerly Invitae), Labcorp
Classification: Uncertain significance. Last evaluated: 2023-12-11. Review status: criteria provided, single submitter. Criteria: Invitae Variant Classification Sherloc (09022015). Collection method: clinical testing. Allele origin: germline.
Comment: This sequence change replaces asparagine, which is neutral and polar, with isoleucine, which is neutral and non-polar, at codon 681 of the IARS protein (p.Asn681Ile). This variant is not present in population databases (gnomAD no frequency). This variant has not been reported in the literature in individuals affected with IARS-related conditions. ClinVar contains an entry for this variant (Variation ID: 2127781). An algorithm developed to predict the effect of missense changes on protein structure and function (PolyPhen-2) suggests that this variant is likely to be tolerated. In summary, the available evidence is currently insufficient to determine the role of this variant in disease. Therefore, it has been classified as a Variant of Uncertain Significance.

NM_002161.6(IARS1):c.2042A>T (p.Asn681Ile)

Gene: IARS1 (isoleucyl-tRNA synthetase 1; minus strand). Cytogenetic location: 9q22.31.
Variant type: single nucleotide variant.
Coding change: c.2042A>T on transcript NM_002161.6 (MANE Select); coding-DNA position 2042, A replaced by T.
Protein change: p.Asn681Ile; replaces asparagine 681 with isoleucine.
Molecular consequence: missense variant. On other transcripts: non-coding transcript variant (1).
Genome position (GRCh38, 1-based): chr9:92,256,775, T>A on the plus strand (A>T on the coding strand, the complement: IARS1 is on the minus strand). VCF-style: chr9-92256775-T-A. GRCh37 (hg19) VCF-style: chr9-95019057-T-A.
Other names: c.2063A>T, p.Asn688Ile (NM_001378571.1); c.2042A>T, p.Asn681Ile (NM_001378572.1, NM_001378573.1, NM_001378574.1 and 13 more transcripts); c.1958A>T, p.Asn653Ile (NM_001374301.1); c.2105A>T, p.Asn702Ile (NM_001378569.1); c.1919A>T, p.Asn640Ile (NM_001378583.1); short protein forms N681I, N688I, N702I, N640I, N653I.
Identifiers: ClinVar variation 2127781 (VCV002127781.4), dbSNP rs140745083, ClinGen allele CA373817058.